The following is an entry in ClinVar:

NM_022893.4(BCL11A):c.2149G>A (p.Gly717Arg)

Gene: BCL11A (BCL11 transcription factor A; minus strand). Cytogenetic location: 2p16.1.
Variant type: single nucleotide variant.
Coding change: c.2149G>A on transcript NM_022893.4 (MANE Select); coding-DNA position 2149, G replaced by A.
Protein change: p.Gly717Arg; replaces glycine 717 with arginine.
Molecular consequence: missense variant. On other transcripts: intron variant (6).
Genome position (GRCh38, 1-based): chr2:60,460,763, C>T on the plus strand (G>A on the coding strand, the complement: BCL11A is on the minus strand). VCF-style: chr2-60460763-C-T. GRCh37 (hg19) VCF-style: chr2-60687898-C-T.
Other names: c.2047G>A, p.Gly683Arg (NM_001363864.1, NM_001365609.1, NM_001405711.1 and 2 more transcripts); c.2149G>A, p.Gly717Arg (NM_001405708.1, NM_001405709.1, NM_001405710.1 and 1 more transcripts); c.1993G>A, p.Gly665Arg (NM_001405713.1, NM_001405714.1, NM_001405715.1 and 3 more transcripts); c.1891G>A, p.Gly631Arg (NM_001405717.1, NM_001405718.1, NM_001405724.1); c.1816G>A, p.Gly606Arg (NM_001405720.1, NM_001405721.1); c.1693G>A, p.Gly565Arg (NM_001405725.1, NM_001405726.1, NM_001405727.1 and 1 more transcripts); c.1456G>A, p.Gly486Arg (NM_001405729.1); c.1612G>A, p.Gly538Arg (NM_001405730.1); and 5 more; short protein forms G386R, G486R, G538R, G565R, G606R, G631R, G665R, G683R.
Identifiers: ClinVar variation 3361103 (VCV003361103.1).

ClinVar aggregate classification (germline): Uncertain significance (1 of 4 stars; one submission).

Submission:

GeneDx
Classification: Uncertain significance. Last evaluated: 2023-07-12. Review status: criteria provided, single submitter. Criteria: GeneDx Variant Classification Process June 2021. Collection method: clinical testing. Allele origin: germline. Affected: yes.
Comment: Not observed at significant frequency in large population cohorts (gnomAD); In silico analysis supports that this missense variant does not alter protein structure/function; Has not been previously published as pathogenic or benign to our knowledge